The following is an entry in ClinVar:

ClinVar aggregate classification (germline): Uncertain significance (1 of 4 stars; one submission).

Submission:

GeneDx
Classification: Uncertain significance. Last evaluated: 2022-04-22. Review status: criteria provided, single submitter. Criteria: GeneDx Variant Classification Process June 2021. Collection method: clinical testing. Allele origin: germline. Affected: yes.
Comment: Not observed at significant frequency in large population cohorts (gnomAD); In silico analysis supports that this missense variant has a deleterious effect on protein structure/function; Has not been previously published as pathogenic or benign to our knowledge

NM_000113.3(TOR1A):c.760C>G (p.His254Asp)

Gene: TOR1A (torsin family 1 member A; minus strand). Cytogenetic location: 9q34.11.
Variant type: single nucleotide variant.
Coding change: c.760C>G on transcript NM_000113.3 (MANE Select); coding-DNA position 760, C replaced by G.
Protein change: p.His254Asp; replaces histidine 254 with aspartic acid.
Molecular consequence: missense variant.
Genome position (GRCh38, 1-based): chr9:129,814,211, G>C on the plus strand (C>G on the coding strand, the complement: TOR1A is on the minus strand). VCF-style: chr9-129814211-G-C. GRCh37 (hg19) VCF-style: chr9-132576490-G-C.
Other names: short protein forms H254D.
Identifiers: ClinVar variation 1711932 (VCV001711932.2), dbSNP rs2490554528, ClinGen allele CA375198089.